The following is an entry in ClinVar:

NM_001379270.1(CNGA1):c.1028G>T (p.Arg343Ile)

Genes: CNGA1 (cyclic nucleotide gated channel subunit alpha 1; minus strand), LOC101927157 (uncharacterized LOC101927157; plus strand). Cytogenetic location: 4p12.
Variant type: single nucleotide variant.
Coding change: c.1028G>T on transcript NM_001379270.1 (MANE Select); coding-DNA position 1028, G replaced by T.
Protein change: p.Arg343Ile; replaces arginine 343 with isoleucine.
Molecular consequence: missense variant.
Genome position (GRCh38, 1-based): chr4:47,937,454, C>A on the plus strand (G>T on the coding strand, the complement: CNGA1 is on the minus strand). VCF-style: chr4-47937454-C-A. GRCh37 (hg19) VCF-style: chr4-47939471-C-A.
Other names: c.1028G>T, p.Arg343Ile (NM_000087.5, NM_001142564.2); short protein forms R343I.
Identifiers: ClinVar variation 2095691 (VCV002095691.5), dbSNP rs752003888, ClinGen allele CA2911150.

ClinVar aggregate classification (germline): Uncertain significance. Review status: criteria provided, multiple submitters, no conflicts (2 of 4 stars). 2 submissions from 2 submitters: Uncertain significance (2). Last evaluated 2024-10-22.

Conditions:
CNGA1-related retinopathy. Identifiers: MedGen CN322611, MONDO:0800405.

Allele frequency attached by ClinVar (database versions not stated): gnomAD exomes below 0.00001; ExAC 0.00001.
gnomAD v4.1: 1 of 1,614,170 alleles (0.000062%); highest among the groups gnomAD compares: East Asian, 0.0022%; no homozygotes.

Submissions (2):

Labcorp Genetics (formerly Invitae), Labcorp
Classification: Uncertain significance. Last evaluated: 2024-10-22. Review status: criteria provided, single submitter. Criteria: Invitae Variant Classification Sherloc (09022015). Collection method: clinical testing. Allele origin: germline.
Comment: This sequence change replaces arginine, which is basic and polar, with isoleucine, which is neutral and non-polar, at codon 347 of the CNGA1 protein (p.Arg347Ile). This variant is present in population databases (rs752003888, gnomAD 0.006%). This variant has not been reported in the literature in individuals affected with CNGA1-related conditions. ClinVar contains an entry for this variant (Variation ID: 2095691). Invitae Evidence Modeling of protein sequence and biophysical properties (such as structural, functional, and spatial information, amino acid conservation, physicochemical variation, residue mobility, and thermodynamic stability) indicates that this missense variant is expected to disrupt CNGA1 protein function with a positive predictive value of 80%. In summary, the available evidence is currently insufficient to determine the role of this variant in disease. Therefore, it has been classified as a Variant of Uncertain Significance.

Department of Pathology and Laboratory Medicine, Sinai Health System
Classification: Uncertain significance for CNGA1-related retinopathy. Last evaluated: 2022-08-25. Review status: criteria provided, single submitter. Criteria: ACMG Guidelines, 2015. Collection method: research. Allele origin: germline.